The following is an entry in ClinVar:

ClinVar aggregate classification (germline): Uncertain significance (1 of 4 stars; one submission).

Submission:

Labcorp Genetics (formerly Invitae), Labcorp
Classification: Uncertain significance. Last evaluated: 2022-07-12. Review status: criteria provided, single submitter. Criteria: Invitae Variant Classification Sherloc (09022015). Collection method: clinical testing. Allele origin: germline.
Comment: Algorithms developed to predict the effect of missense changes on protein structure and function are either unavailable or do not agree on the potential impact of this missense change (SIFT: "Not Available"; PolyPhen-2: "Benign"; Align-GVGD: "Not Available"). In summary, the available evidence is currently insufficient to determine the role of this variant in disease. Therefore, it has been classified as a Variant of Uncertain Significance. This variant is not present in population databases (gnomAD no frequency). This sequence change replaces lysine, which is basic and polar, with glutamic acid, which is acidic and polar, at codon 955 of the ADAMTS18 protein (p.Lys955Glu). This variant has not been reported in the literature in individuals affected with ADAMTS18-related conditions.

NM_199355.4(ADAMTS18):c.2863A>G (p.Lys955Glu)

Gene: ADAMTS18 (ADAM metallopeptidase with thrombospondin type 1 motif 18; minus strand). Cytogenetic location: 16q23.1.
Variant type: single nucleotide variant.
Coding change: c.2863A>G on transcript NM_199355.4 (MANE Select); coding-DNA position 2863, A replaced by G.
Protein change: p.Lys955Glu; replaces lysine 955 with glutamic acid.
Molecular consequence: missense variant.
Genome position (GRCh38, 1-based): chr16:77,295,066, T>C on the plus strand (A>G on the coding strand, the complement: ADAMTS18 is on the minus strand). VCF-style: chr16-77295066-T-C. GRCh37 (hg19) VCF-style: chr16-77328963-T-C.
Other names: c.2347A>G, p.Lys783Glu (NM_001326358.2); short protein forms K783E, K955E.
Identifiers: ClinVar variation 2010456 (VCV002010456.4), dbSNP rs2055442127, ClinGen allele CA396833604.